The following is an entry in ClinVar:

ClinVar aggregate classification (germline): Uncertain significance (1 of 4 stars; one submission).

Allele frequency attached by ClinVar (database versions not stated): ExAC 0.00001; gnomAD exomes 0.00001.
gnomAD v4.1: 20 of 1,518,650 alleles (0.0013%); highest among the groups gnomAD compares: Admixed American, 0.012%; no homozygotes.

Submission:

Labcorp Genetics (formerly Invitae), Labcorp
Classification: Uncertain significance. Last evaluated: 2024-11-18. Review status: criteria provided, single submitter. Criteria: Invitae Variant Classification Sherloc (09022015). Collection method: clinical testing. Allele origin: germline.
Comment: This sequence change replaces valine, which is neutral and non-polar, with isoleucine, which is neutral and non-polar, at codon 275 of the SLC7A13 protein (p.Val275Ile). This variant is present in population databases (rs776716053, gnomAD 0.02%). This variant has not been reported in the literature in individuals affected with SLC7A13-related conditions. ClinVar contains an entry for this variant (Variation ID: 1908533). An algorithm developed to predict the effect of missense changes on protein structure and function (PolyPhen-2) suggests that this variant is likely to be disruptive. In summary, the available evidence is currently insufficient to determine the role of this variant in disease. Therefore, it has been classified as a Variant of Uncertain Significance.

NM_138817.3(SLC7A13):c.823G>A (p.Val275Ile)

Gene: SLC7A13 (solute carrier family 7 member 13; minus strand). Cytogenetic location: 8q21.3.
Variant type: single nucleotide variant.
Coding change: c.823G>A on transcript NM_138817.3 (MANE Select); coding-DNA position 823, G replaced by A.
Protein change: p.Val275Ile; replaces valine 275 with isoleucine.
Molecular consequence: missense variant.
Genome position (GRCh38, 1-based): chr8:86,217,826, C>T on the plus strand (G>A on the coding strand, the complement: SLC7A13 is on the minus strand). VCF-style: chr8-86217826-C-T. GRCh37 (hg19) VCF-style: chr8-87230055-C-T.
Other names: short protein forms V275I.
Identifiers: ClinVar variation 1908533 (VCV001908533.5), dbSNP rs776716053, ClinGen allele CA4797705.